The following is an entry in ClinVar:

ClinVar aggregate classification (germline): Likely pathogenic (1 of 4 stars; one submission).

Conditions:
Cerebral cavernous malformation (CCM). Also called: Cerebral cavernous malformations; Cerebral cavernous hemangioma (type); CAVERNOUS ANGIOMA, FAMILIAL; CAVERNOUS ANGIOMATOUS MALFORMATIONS; CEREBRAL CAPILLARY MALFORMATIONS; Cavernous Hemangioma of Brain. Identifiers: Orphanet 221061, MedGen C2919945, MONDO:0000820, OMIM 116860, HP:0033522.

Submission:

Juno Genomics, Hangzhou Juno Genomics, Inc
Classification: Likely pathogenic for Cerebral cavernous malformation. Review status: criteria provided, single submitter. Criteria: ACMG Guidelines, 2015. Collection method: clinical testing. Allele origin: germline.
Comment: Absent from controls (or at extremely low frequency if recessive) in Genome Aggregation Database.;Null variant in a gene where loss of function (LOF) is a known mechanism of disease.

NM_194454.3(KRIT1):c.928G>T (p.Glu310Ter)

Gene: KRIT1 (KRIT1 ankyrin repeat containing; minus strand). Cytogenetic location: 7q21.2.
Variant type: single nucleotide variant.
Coding change: c.928G>T on transcript NM_194454.3 (MANE Select); coding-DNA position 928, G replaced by T.
Protein change: p.Glu310Ter; replaces glutamic acid 310 with a stop codon.
Molecular consequence: nonsense. On other transcripts: intron variant (3).
Genome position (GRCh38, 1-based): chr7:92,234,510, C>A on the plus strand (G>T on the coding strand, the complement: KRIT1 is on the minus strand). VCF-style: chr7-92234510-C-A. GRCh37 (hg19) VCF-style: chr7-91863824-C-A.
Other names: c.928G>T, p.Glu310Ter (NM_001350693.1, NM_001350694.1, NM_001350695.1 and 26 more transcripts); c.845+298G>T (NM_001350669.1, NM_001013406.2, NM_001350670.1); c.214G>T, p.Glu72Ter (NM_001350671.1); short protein forms E310*, E72*.
Identifiers: ClinVar variation 5019574 (VCV005019574.2).
Genomic context (GRCh38, chr7:92,234,510, plus strand): 5'-AGCATGCATAATGAATGGGTGCCCAGTGGTCACTATCTAACTGGTTGACTGAAAATCTTT[C>A]ACTGAGAAGACGGCTTAGTAATTCTGAATCTCCTTCACAGGCGCTTCGGTGGAGAGGAAA-3'